The following is an entry in ClinVar:

ClinVar aggregate classification (germline): Uncertain significance. Review status: criteria provided, multiple submitters, no conflicts (2 of 4 stars). 2 submissions from 2 submitters: Uncertain significance (2). Last evaluated 2023-10-04.

Conditions:
Hereditary cancer-predisposing syndrome. Also called: Neoplastic Syndromes, Hereditary; Tumor predisposition; Hereditary Cancer Syndrome; Hereditary neoplastic syndrome. Identifiers: Orphanet 140162, MedGen C0027672, MeSH D009386, MONDO:0015356.
Familial cancer of breast. Also called: BREAST CANCER, FAMILIAL; Hereditary breast cancer; hereditary breast carcinoma. Identifiers: Orphanet 227535, MedGen C0346153, MONDO:0016419, OMIM 114480. Disease mechanism: loss of function.

Submissions (2):

Baylor Genetics
Classification: Uncertain significance for Familial cancer of breast. Last evaluated: 2023-10-04. Review status: criteria provided, single submitter. Criteria: ACMG Guidelines, 2015. Collection method: clinical testing. Allele origin: unknown.

Ambry Genetics
Classification: Uncertain significance for Hereditary cancer-predisposing syndrome. Last evaluated: 2020-01-20. Review status: criteria provided, single submitter. Criteria: Ambry Variant Classification Scheme 2023. Collection method: clinical testing. Allele origin: germline.
Comment: The p.I562M variant (also known as c.1686T>G), located in coding exon 11 of the BRIP1 gene, results from a T to G substitution at nucleotide position 1686. The isoleucine at codon 562 is replaced by methionine, an amino acid with highly similar properties. This alteration has been identified in a cohort of 1040 individuals with advanced cancer diagnoses who underwent paired germline and tumor genetic testing (Mandelker D et al. JAMA, 2017 09;318:825-835). This amino acid position is poorly conserved in available vertebrate species. In addition, this alteration is predicted to be tolerated by in silico analysis. Since supporting evidence is limited at this time, the clinical significance of this alteration remains unclear.

Literature cited by the submitters: PubMed 28873162 (cited by Ambry Genetics).

NM_032043.3(BRIP1):c.1686T>G (p.Ile562Met)

Gene: BRIP1 (BRCA1 interacting DNA helicase 1; minus strand). Cytogenetic location: 17q23.2.
Variant type: single nucleotide variant.
Coding change: c.1686T>G on transcript NM_032043.3 (MANE Select); coding-DNA position 1686, T replaced by G.
Protein change: p.Ile562Met; replaces isoleucine 562 with methionine.
Molecular consequence: missense variant.
Genome position (GRCh38, 1-based): chr17:61,780,948, A>C on the plus strand (T>G on the coding strand, the complement: BRIP1 is on the minus strand). VCF-style: chr17-61780948-A-C. GRCh37 (hg19) VCF-style: chr17-59858309-A-C.
Other names: short protein forms I562M.
Identifiers: ClinVar variation 1778029 (VCV001778029.3), dbSNP rs1374464175, ClinGen allele CA400480466.